The following is an entry in ClinVar:

ClinVar aggregate classification (germline): Uncertain significance (1 of 4 stars; one submission).

Conditions:
AFF4-related disorder. Also called: AFF4-related condition.

Submission:

PreventionGenetics, part of Exact Sciences
Classification: Uncertain significance for AFF4-related condition. Last evaluated: 2026-01-13. Review status: criteria provided, single submitter. Criteria: ACMG Guidelines, 2015. Collection method: clinical testing. Allele origin: germline.
Comment: The AFF4 c.3208T>A variant is predicted to result in the amino acid substitution p.Ser1070Thr. To our knowledge, this variant has not been reported in the literature or in a large population database (gnomAD), indicating this variant is rare. At this time, the clinical significance of this variant is uncertain due to the absence of conclusive functional and genetic evidence.

NM_014423.4(AFF4):c.3208T>A (p.Ser1070Thr)

Gene: AFF4 (ALF transcription elongation factor 4; minus strand). Cytogenetic location: 5q31.1.
Variant type: single nucleotide variant.
Coding change: c.3208T>A on transcript NM_014423.4 (MANE Select); coding-DNA position 3208, T replaced by A.
Protein change: p.Ser1070Thr; replaces serine 1070 with threonine.
Molecular consequence: missense variant.
Genome position (GRCh38, 1-based): chr5:132,883,496, A>T on the plus strand (T>A on the coding strand, the complement: AFF4 is on the minus strand). VCF-style: chr5-132883496-A-T. GRCh37 (hg19) VCF-style: chr5-132219188-A-T.
Other names: short protein forms S1070T.
Identifiers: ClinVar variation 4996133 (VCV004996133.1).
Genomic context (GRCh38, chr5:132,883,496, plus strand): 5'-GGATCTTCTGTGGAATGGTCACTGAAGAACCACTTGCAGAAGCACTACTGGCCCCAGATG[A>T]ATAATTTCCTGAATTGCCTGGTGACAGCTTTGGAGAAACAGGGGAAGGCATCCCCACAGC-3'
Protein context (NP_055238.1, residues 1060-1080): KLSPGNSGNY[Ser1070Thr]SGASSASASG